The following is an entry in ClinVar:

ClinVar aggregate classification (germline): Likely pathogenic. Review status: criteria provided, single submitter (1 of 4 stars). 2 submissions from 2 submitters: Likely pathogenic (1). 1 of the submissions does not count toward it. Last evaluated 2021-02-17.

Conditions:
Propionic acidemia (PROP). Also called: GLYCINEMIA, KETOTIC; HYPERGLYCINEMIA WITH KETOACIDOSIS AND LEUKOPENIA; KETOTIC HYPERGLYCINEMIA. Identifiers: Orphanet 35, MedGen C0268579, MONDO:0011628, OMIM 606054, HP:0003571.

Submissions (2):

Laboratory of Inherited Metabolic Diseases, Research centre for medical genetics
Classification: Likely pathogenic for Propionic acidemia. Last evaluated: 2021-02-17. Review status: criteria provided, single submitter. Criteria: ACMG Guidelines, 2015. Collection method: research, in vitro. Allele origin: germline, not applicable. Affected: yes.
Comment: PS3, PM2, PP3, PP4

OMIM
Classification: Pathogenic for PROPIONIC ACIDEMIA. Last evaluated: 1997-11-01. Review status: no assertion criteria provided. Collection method: literature only. Allele origin: germline. Not counted in ClinVar's aggregate classification.

Literature cited by the submitters: PubMed 9385377 (cited by OMIM).

NM_000282.4(PCCA):c.1899+2_1899+3insCT

Gene: PCCA (propionyl-CoA carboxylase subunit alpha; plus strand). Cytogenetic location: 13q32.3.
Variant type: Insertion.
Coding change: c.1899+2_1899+3insCT on transcript NM_000282.4 (MANE Select); the canonical splice donor site of the intron after coding-DNA position 1899 through 3 bases into the intron after coding-DNA position 1899, CT inserted.
Molecular consequence: splice donor variant. On other transcripts: intron variant (2).
Genome position: GRCh38 VCF-style: chr13-100449306-G-GTC. GRCh37 (hg19) VCF-style: chr13-101101560-G-GTC.
Other names: c.1899+2_1899+3insCT (NM_001178004.2, NM_001352609.2); c.1845+23576_1845+23577insCT (NM_001352605.2); c.1755+2_1755+3insCT (NM_001352606.2); c.954+2_954+3insCT (NM_001352610.2); c.900+23576_900+23577insCT (NM_001352611.2); c.810+2_810+3insCT (NM_001352612.2); c.1821+2_1821+3insCT (NM_001127692.3, NM_001352607.2); c.1677+2_1677+3insCT (NM_001352608.2).
Identifiers: ClinVar variation 997847 (VCV000997847.2), dbSNP rs2081058900, ClinGen allele CA2114093322.